The following is an entry in ClinVar:

ClinVar aggregate classification (germline): Uncertain significance (1 of 4 stars; one submission).

Submission:

Ambry Genetics
Classification: Uncertain significance. Last evaluated: 2024-12-27. Review status: criteria provided, single submitter. Criteria: Ambry Variant Classification Scheme 2023. Collection method: clinical testing. Allele origin: germline.
Comment: The p.I180M variant (also known as c.540A>G), located in coding exon 2 of the PALLD gene, results from an A to G substitution at nucleotide position 540. The isoleucine at codon 180 is replaced by methionine, an amino acid with highly similar properties. This amino acid position is conserved. In addition, this alteration is predicted to be tolerated by in silico analysis. Based on the available evidence, the clinical significance of this variant remains unclear.

NM_001166108.2(PALLD):c.2001A>G (p.Ile667Met)

Gene: PALLD (palladin, cytoskeletal associated protein; plus strand). Cytogenetic location: 4q32.3.
Variant type: single nucleotide variant.
Coding change: c.2001A>G on transcript NM_001166108.2 (MANE Select); coding-DNA position 2001, A replaced by G.
Protein change: p.Ile667Met; replaces isoleucine 667 with methionine.
Molecular consequence: missense variant. On other transcripts: 5 prime UTR variant (4).
Genome position (GRCh38, 1-based): chr4:168,890,958, A>G. VCF-style: chr4-168890958-A-G. GRCh37 (hg19) VCF-style: chr4-169812109-A-G.
Other names: c.855A>G, p.Ile285Met (NM_001166109.2); c.540A>G, p.Ile180Met (NM_001166110.2); c.-121A>G (NM_001367567.1, NM_001367568.1, NM_001367569.1 and 1 more transcripts); c.2001A>G, p.Ile667Met (NM_016081.4); short protein forms I667M, I180M, I285M.
Identifiers: ClinVar variation 3885285 (VCV003885285.1).